The following is an entry in ClinVar:

NM_182943.3(PLOD2):c.949A>G (p.Ile317Val)

Gene: PLOD2 (procollagen-lysine,2-oxoglutarate 5-dioxygenase 2; minus strand). Cytogenetic location: 3q24.
Variant type: single nucleotide variant.
Coding change: c.949A>G on transcript NM_182943.3 (MANE Select); coding-DNA position 949, A replaced by G.
Protein change: p.Ile317Val; replaces isoleucine 317 with valine.
Molecular consequence: missense variant.
Genome position (GRCh38, 1-based): chr3:146,088,642, T>C on the plus strand (A>G on the coding strand, the complement: PLOD2 is on the minus strand). VCF-style: chr3-146088642-T-C. GRCh37 (hg19) VCF-style: chr3-145806429-T-C.
Other names: c.949A>G, p.Ile317Val (NM_000935.3); short protein forms I317V.
Identifiers: ClinVar variation 4976272 (VCV004976272.1).

ClinVar aggregate classification (germline): Uncertain significance (1 of 4 stars; one submission).

gnomAD v4.1: 61 of 1,601,094 alleles (0.0038%); highest among the groups gnomAD compares: East Asian, 0.049%; no homozygotes.

Submission:

GeneDx
Classification: Uncertain significance. Last evaluated: 2026-02-06. Review status: criteria provided, single submitter. Criteria: GeneDx Variant Classification Process June 2021. Collection method: clinical testing. Allele origin: germline.
Comment: In silico analysis suggests that this missense variant does not alter protein structure/function; Has not been previously published as pathogenic or benign to our knowledge